The following is an entry in ClinVar:

ClinVar aggregate classification (germline): Likely benign. Review status: criteria provided, multiple submitters, no conflicts (2 of 4 stars). 3 submissions from 3 submitters: Likely benign (3). Last evaluated 2019-01-16.

Conditions:
Congenital hyperammonemia, type I. Also called: CPS I DEFICIENCY; Carbamoyl phosphate synthetase 1 deficiency; Hyperammonemia due to carbamoyl phosphate synthetase 1 deficiency; CPS 1 deficiency; Carbamyl phosphate synthetase (CPS) deficiency; Carbamoyl phosphate synthetase I deficiency disease. Identifiers: Orphanet 147, MedGen C4082171, MONDO:0009376, OMIM 237300.

Allele frequency attached by ClinVar (database versions not stated): 1000 Genomes Project 30x 0.00203; 1000 Genomes Project 0.00240; TOPMed 0.00423; gnomAD 0.00478 and 0.00484.

Submissions (3):

GeneDx
Classification: Likely benign. Last evaluated: 2019-01-16. Review status: criteria provided, single submitter. Criteria: GeneDx Variant Classification Process June 2021. Collection method: clinical testing. Allele origin: germline. Affected: yes.

Illumina Laboratory Services, Illumina
Classification: Likely benign for Congenital hyperammonemia, type I. Last evaluated: 2018-01-12. Review status: criteria provided, single submitter. Criteria: ICSL Variant Classification Criteria 13 December 2019. Collection method: clinical testing. Allele origin: germline.
Comment: This variant was observed in the ICSL laboratory as part of a predisposition screen in an ostensibly healthy population. It had not been previously curated by ICSL or reported in the Human Gene Mutation Database (HGMD: prior to June 1st, 2018), and was therefore a candidate for classification through an automated scoring system. Utilizing variant allele frequency, disease prevalence and penetrance estimates, and inheritance mode, an automated score was calculated to assess if this variant is too frequent to cause the disease. Based on the score and internal cut-off values, a variant classified as likely benign is not then subjected to further curation. The score for this variant resulted in a classification of likely benign for this disease.

Breakthrough Genomics
Classification: Likely benign. Review status: criteria provided, single submitter. Criteria: ACMG Guidelines, 2015. Collection method: not provided. Allele origin: germline. Inheritance: Autosomal recessive inheritance. Affected: yes.

NM_001875.5(CPS1):c.-128G>A

Gene: CPS1 (carbamoyl-phosphate synthase 1; plus strand). Cytogenetic location: 2q34.
Variant type: single nucleotide variant.
Coding change: c.-128G>A on transcript NM_001875.5 (MANE Select); 128 bases upstream of the start codon, G replaced by A.
Molecular consequence: 5 prime UTR variant. On other transcripts: intron variant (3).
Genome position (GRCh38, 1-based): chr2:210,556,606, G>A. VCF-style: chr2-210556606-G-A. GRCh37 (hg19) VCF-style: chr2-211421330-G-A.
Other names: c.-128G>A (LRG_336t1); c.-15-113G>A (NM_001369257.1, NM_001122633.3); c.19-113G>A (NM_001369256.1).
Identifiers: ClinVar variation 334005 (VCV000334005.8), dbSNP rs182021022, ClinGen allele CA10614204.
Genomic context (GRCh38, chr2:210,556,606, plus strand): 5'-GAGAAGGAGGAGCTGTGGCTGAAGACATTTAATGGCAGAATGAATGGAAATTCAAAGATC[G>A]CTGTGCAGTCAGCCTTAAACACTGACTGCACCCCTCCCAGATTTCTTTTACATTAACTAA-3'